The following is an entry in ClinVar:

NM_000179.3(MSH6):c.3070C>G (p.Arg1024Gly)

Gene: MSH6 (mutS homolog 6; plus strand). Cytogenetic location: 2p16.3.
Variant type: single nucleotide variant.
Coding change: c.3070C>G on transcript NM_000179.3 (MANE Select); coding-DNA position 3070, C replaced by G.
Protein change: p.Arg1024Gly; replaces arginine 1024 with glycine.
Molecular consequence: missense variant.
Genome position (GRCh38, 1-based): chr2:47,801,053, C>G. VCF-style: chr2-47801053-C-G. GRCh37 (hg19) VCF-style: chr2-48028192-C-G.
Other names: c.2680C>G, p.Arg894Gly (NM_001281492.2); c.2164C>G, p.Arg722Gly (NM_001281493.2, NM_001281494.2); short protein forms R1024G, R722G, R894G.
Identifiers: ClinVar variation 1051320 (VCV001051320.9), dbSNP rs370505117, ClinGen allele CA346756544.

ClinVar aggregate classification (germline): Uncertain significance (1 of 4 stars; one submission).

Conditions:
Hereditary nonpolyposis colorectal neoplasms. Identifiers: MedGen C0009405, MeSH D003123.

Submission:

Labcorp Genetics (formerly Invitae), Labcorp
Classification: Uncertain significance for Hereditary nonpolyposis colorectal neoplasms. Last evaluated: 2020-07-12. Review status: criteria provided, single submitter. Criteria: Invitae Variant Classification Sherloc (09022015). Collection method: clinical testing. Allele origin: germline.
Comment: This sequence change replaces arginine with glycine at codon 1024 of the MSH6 protein (p.Arg1024Gly). The arginine residue is highly conserved and there is a moderate physicochemical difference between arginine and glycine. This variant is not present in population databases (ExAC no frequency). This variant has not been reported in the literature in individuals with MSH6-related conditions. Algorithms developed to predict the effect of missense changes on protein structure and function (SIFT, PolyPhen-2, Align-GVGD) all suggest that this variant is likely to be disruptive, but these predictions have not been confirmed by published functional studies and their clinical significance is uncertain. In summary, the available evidence is currently insufficient to determine the role of this variant in disease. Therefore, it has been classified as a Variant of Uncertain Significance.